The following is an entry in ClinVar:

NC_012920.1(MT-CO2):m.8069T>C

Gene: MT-CO2 (mitochondrially encoded cytochrome c oxidase II; plus strand).
Variant type: single nucleotide variant.
Genome position: chrM-8069-T-C.
Identifiers: ClinVar variation 692816 (VCV000692816.1), dbSNP rs1603221275, ClinGen allele CA414794900.

ClinVar aggregate classification (germline): Uncertain significance (1 of 4 stars; one submission).

Conditions:
Leigh syndrome (NULS). Also called: Leigh's necrotizing encephalopathy; Leigh's disease; Leigh Syndrome (mtDNA deletion); Leigh Disease; Subacute necrotizing encephalopathy; Necrotizing encephalopathy infantile subacute of Leigh. Identifiers: Orphanet 506, MedGen C2931891, MONDO:0009723, OMIM 256000.

Submission:

Wong Mito Lab, Molecular and Human Genetics, Baylor College of Medicine
Classification: Uncertain significance for Leigh syndrome. Last evaluated: 2019-10-17. Review status: criteria provided, single submitter. Criteria: Modified ACMG Guidelines (Unpublished). Collection method: clinical testing. Allele origin: germline.
Comment: The NC_012920.1:m.8069T>C (YP_003024029.1:p.Ser162Pro) variant in MTCO2 gene is interpretated to be a Uncertain Significance variant based on the modified ACMG guidelines (unpublished). This variant meets the following evidence codes: no criteria